The following is an entry in ClinVar:

NM_003072.5(SMARCA4):c.4640A>C (p.Tyr1547Ser)

Gene: SMARCA4 (SWI/SNF related BAF chromatin remodeling complex subunit ATPase 4; plus strand). Cytogenetic location: 19p13.2.
Variant type: single nucleotide variant.
Coding change: c.4640A>C on transcript NM_003072.5 (MANE Select); coding-DNA position 4640, A replaced by C.
Protein change: p.Tyr1547Ser; replaces tyrosine 1547 with serine.
Molecular consequence: missense variant. On other transcripts: non-coding transcript variant (1).
Genome position (GRCh38, 1-based): chr19:11,059,757, A>C. VCF-style: chr19-11059757-A-C. GRCh37 (hg19) VCF-style: chr19-11170433-A-C.
Other names: c.4640A>C, p.Tyr1547Ser (NM_001128844.3); c.4550A>C, p.Tyr1517Ser (NM_001128845.2); c.4547A>C, p.Tyr1516Ser (NM_001128846.2); c.4541A>C, p.Tyr1514Ser (NM_001128847.4, NM_001374457.1); c.4538A>C, p.Tyr1513Ser (NM_001128848.2); c.4736A>C, p.Tyr1579Ser (NM_001128849.3, NM_001387283.1); c.4637A>C, p.Tyr1546Ser (NM_001411150.1); short protein forms Y1513S, Y1514S, Y1516S, Y1517S, Y1546S, Y1547S, Y1579S.
Identifiers: ClinVar variation 1707088 (VCV001707088.2), dbSNP rs1600643435, ClinGen allele CA404079163.

ClinVar aggregate classification (germline): Uncertain significance (1 of 4 stars; one submission).

Submission:

GeneDx
Classification: Uncertain significance. Last evaluated: 2022-03-25. Review status: criteria provided, single submitter. Criteria: GeneDx Variant Classification Process June 2021. Collection method: clinical testing. Allele origin: germline. Affected: yes.
Comment: Not observed at significant frequency in large population cohorts (gnomAD); In silico analysis supports that this missense variant has a deleterious effect on protein structure/function; Has not been previously published as pathogenic or benign to our knowledge; Also known as p.(Y1547S); This variant is associated with the following publications: (PMID: 24658002)